The following is an entry in ClinVar:

ClinVar aggregate classification (germline): Uncertain significance (1 of 4 stars; one submission).

Conditions:
Fanconi anemia (FA). Also called: Fanconi's anemia. Identifiers: Orphanet 84, MedGen C0015625, MeSH D005199, MONDO:0019391.

gnomAD v4.1: 3 of 1,614,222 alleles (0.00019%); highest among the groups gnomAD compares: Admixed American, 0.005%; no homozygotes.

Submission:

Labcorp Genetics (formerly Invitae), Labcorp
Classification: Uncertain significance for Fanconi anemia. Last evaluated: 2025-12-09. Review status: criteria provided, single submitter. Criteria: Invitae Variant Classification Sherloc (09022015). Collection method: clinical testing. Allele origin: germline.
Comment: This sequence change replaces glutamine, which is neutral and polar, with leucine, which is neutral and non-polar, at codon 899 of the SLX4 protein (p.Gln899Leu). This variant is present in population databases (no rsID available, gnomAD 0.009%). This variant has not been reported in the literature in individuals affected with SLX4-related conditions. An algorithm developed to predict the effect of missense changes on protein structure and function (PolyPhen-2) suggests that this variant is likely to be disruptive. In summary, the available evidence is currently insufficient to determine the role of this variant in disease. Therefore, it has been classified as a Variant of Uncertain Significance.

NM_032444.4(SLX4):c.2696A>T (p.Gln899Leu)

Gene: SLX4 (SLX4 structure-specific endonuclease subunit; minus strand). Cytogenetic location: 16p13.3.
Variant type: single nucleotide variant.
Coding change: c.2696A>T on transcript NM_032444.4 (MANE Select); coding-DNA position 2696, A replaced by T.
Protein change: p.Gln899Leu; replaces glutamine 899 with leucine.
Molecular consequence: missense variant.
Genome position (GRCh38, 1-based): chr16:3,590,942, T>A on the plus strand (A>T on the coding strand, the complement: SLX4 is on the minus strand). VCF-style: chr16-3590942-T-A. GRCh37 (hg19) VCF-style: chr16-3640943-T-A.
Other names: short protein forms Q899L.
Identifiers: ClinVar variation 4706605 (VCV004706605.1).
Genomic context (GRCh38, chr16:3,590,942, plus strand): 5'-GTGGTGGCGGCCTCATCTCTTCCTGGCTCCAACGGCTCCATCTCCTCCACCTTGTCCCAC[T>A]GTTTCTGCACCTGGACACCTGCTAGGAGTTGCCCAGAAACCGGACTGCCACCCTCCAGCC-3'
Protein context (NP_115820.2, residues 889-909): QLLAGVQVQK[Gln899Leu]WDKVEEMEPL